The following is an entry in ClinVar:

NM_020166.5(MCCC1):c.1010A>G (p.Asn337Ser)

Gene: MCCC1 (methylcrotonyl-CoA carboxylase subunit 1; minus strand). Cytogenetic location: 3q27.1.
Variant type: single nucleotide variant.
Coding change: c.1010A>G on transcript NM_020166.5 (MANE Select); coding-DNA position 1010, A replaced by G.
Protein change: p.Asn337Ser; replaces asparagine 337 with serine.
Molecular consequence: missense variant. On other transcripts: non-coding transcript variant (2).
Genome position (GRCh38, 1-based): chr3:183,045,486, T>C on the plus strand (A>G on the coding strand, the complement: MCCC1 is on the minus strand). VCF-style: chr3-183045486-T-C. GRCh37 (hg19) VCF-style: chr3-182763274-T-C.
Other names: c.659A>G, p.Asn220Ser (NM_001293273.2); c.683A>G, p.Asn228Ser (NM_001363880.1); short protein forms N220S, N228S, N337S.
Identifiers: ClinVar variation 1302967 (VCV001302967.2), dbSNP rs2108486713, ClinGen allele CA355325223.

ClinVar aggregate classification (germline): Uncertain significance (1 of 4 stars; one submission).

Submission:

GeneDx
Classification: Uncertain significance. Last evaluated: 2019-09-23. Review status: criteria provided, single submitter. Criteria: GeneDx Variant Classification Process June 2021. Collection method: clinical testing. Allele origin: germline. Affected: yes.
Comment: Not observed in large population cohorts (Lek et al., 2016); The majority of missense variants in this gene are considered pathogenic [(Stenson et al., 2014; other references)]; In silico analysis, which includes protein predictors and evolutionary conservation, supports a deleterious effect; Has not been previously published as pathogenic or benign to our knowledge